The following is an entry in ClinVar:

NM_001034853.2(RPGR):c.2667_2780del (p.Glu890_Glu927del)

Gene: RPGR (retinitis pigmentosa GTPase regulator; minus strand). Cytogenetic location: Xp11.4.
Variant type: Deletion.
Coding change: c.2667_2780del on transcript NM_001034853.2 (MANE Select); coding-DNA positions 2667 to 2780, 114 bases deleted.
Protein change: p.Glu890_Glu927del.
Molecular consequence: inframe deletion. On other transcripts: intron variant (8).
Genome position (GRCh38, 1-based): chrX:38,286,219-38,286,332, 114 bases deleted. GRCh37 (hg19): chrX:38,145,474-38,145,587.
Other names: c.1569+4627_1569+4740del (NM_001367249.1, NM_001367250.1); c.1902+762_1902+875del (NM_001367245.1); c.1386+4627_1386+4740del (NM_001367251.1); c.1719+762_1719+875del (NM_001367246.1); c.1572+4627_1572+4740del (NM_001367247.1); c.1905+762_1905+875del (NM_000328.3); c.1602+4627_1602+4740del (NM_001367248.1).
Identifiers: ClinVar variation 4985241 (VCV004985241.1).

ClinVar aggregate classification (germline): Uncertain significance (1 of 4 stars; one submission).

Conditions:
RPGR-related disorder. Also called: RPGR-related condition.

Submission:

PreventionGenetics, part of Exact Sciences
Classification: Uncertain significance for RPGR-related condition. Last evaluated: 2025-07-15. Review status: criteria provided, single submitter. Criteria: ACMG Guidelines, 2015. Collection method: clinical testing. Allele origin: germline.
Comment: The RPGR c.2667_2780del114 variant is predicted to result in an in-frame deletion (p.Glu890_Glu927del). To our knowledge, this variant has not been reported in the literature or in a large population database (gnomAD), indicating this variant is rare. At this time, the clinical significance of this variant is uncertain due to the absence of conclusive functional and genetic evidence.